The following is an entry in ClinVar:

ClinVar aggregate classification (germline): Uncertain significance (1 of 4 stars; one submission).

Allele frequency attached by ClinVar (database versions not stated): gnomAD exomes below 0.00001.
gnomAD v4.1: 2 of 1,612,600 alleles (0.00012%); highest among the groups gnomAD compares: Non-Finnish European, 0.00017%; no homozygotes.

Submission:

Women's Health and Genetics/Laboratory Corporation of America, LabCorp
Classification: Uncertain significance. Last evaluated: 2024-04-23. Review status: criteria provided, single submitter. Criteria: LabCorp Variant Classification Summary - May 2015. Collection method: clinical testing. Allele origin: germline.
Comment: Variant summary: TRAF7 c.14A>G (p.Lys5Arg) results in a conservative amino acid change in the encoded protein sequence. Three of five in-silico tools predict a benign effect of the variant on protein function. The variant was absent in 248672 control chromosomes. The available data on variant occurrences in the general population are insufficient to allow any conclusion about variant significance. To our knowledge, no occurrence of c.14A>G in individuals affected with Cardiac, Facial, And Digital Anomalies With Developmental Delay and no experimental evidence demonstrating its impact on protein function have been reported. No submitters have cited clinical-significance assessments for this variant to ClinVar. Based on the evidence outlined above, the variant was classified as uncertain significance.

NM_032271.3(TRAF7):c.14A>G (p.Lys5Arg)

Gene: TRAF7 (TNF receptor associated factor 7; plus strand). Cytogenetic location: 16p13.3.
Variant type: single nucleotide variant.
Coding change: c.14A>G on transcript NM_032271.3 (MANE Select); coding-DNA position 14, A replaced by G.
Protein change: p.Lys5Arg; replaces lysine 5 with arginine.
Molecular consequence: missense variant.
Genome position (GRCh38, 1-based): chr16:2,163,934, A>G. VCF-style: chr16-2163934-A-G. GRCh37 (hg19) VCF-style: chr16-2213935-A-G.
Other names: short protein forms K5R.
Identifiers: ClinVar variation 3251755 (VCV003251755.1), dbSNP rs2093067316.